The following is an entry in ClinVar:

ClinVar aggregate classification (germline): Uncertain significance. Review status: criteria provided, multiple submitters, no conflicts (2 of 4 stars). 9 submissions from 9 submitters: Uncertain significance (7). 2 of the submissions do not count toward it. Last evaluated 2025-11-26.

Conditions:
Cardiomyopathy (CMYO). Also called: Cardiomyopathies. Identifiers: Orphanet 167848, MedGen C0878544, MONDO:0004994, HP:0001638. Inheritance: Various modes of inheritance.
Arrhythmogenic right ventricular cardiomyopathy (ARVD). Also called: Arrhythmogenic Right Ventricular Cardiomyopathy (ARVC); Cardiomyopathy, ARVC; Arrhythmogenic right ventricular dysplasia; Arrhythmogenic cardiomyopathy. Identifiers: Orphanet 247, MedGen C0349788, MeSH D019571, MONDO:0016587. Disease mechanism: loss of function. Inheritance: Various modes of inheritance.
Arrhythmogenic right ventricular dysplasia 10. Also called: Arrhythmogenic right ventricular dysplasia/cardiomyopathy, type 10; Arrhythmogenic Right Ventricular Dysplasia/Cardiomyopathy10; ARRHYTHMOGENIC RIGHT VENTRICULAR DYSPLASIA, FAMILIAL, 10. Identifiers: MedGen C1857777, MONDO:0012434, OMIM 610193.

Allele frequency attached by ClinVar (database versions not stated): gnomAD 0.00001; gnomAD exomes 0.00001 and 0.00002; ExAC 0.00002; TOPMed 0.00002.
gnomAD v4.1: 19 of 1,614,044 alleles (0.0012%); highest among the groups gnomAD compares: South Asian, 0.0033%; no homozygotes.

Submissions (9):

Labcorp Genetics (formerly Invitae), Labcorp
Classification: Uncertain significance for Arrhythmogenic right ventricular dysplasia 10. Last evaluated: 2025-11-26. Review status: criteria provided, single submitter. Criteria: Invitae Variant Classification Sherloc (09022015). Collection method: clinical testing. Allele origin: germline.
Comment: This sequence change replaces glutamic acid, which is acidic and polar, with lysine, which is basic and polar, at codon 331 of the DSG2 protein (p.Glu331Lys). This variant is present in population databases (rs121913012, gnomAD 0.006%). This missense change has been observed in individual(s) with clinical features of arrhythmogenic right ventricular cardiomyopathy (PMID: 16505173, 24070718, 28471438, 30830208). ClinVar contains an entry for this variant (Variation ID: 16816). Invitae Evidence Modeling of protein sequence and biophysical properties (such as structural, functional, and spatial information, amino acid conservation, physicochemical variation, residue mobility, and thermodynamic stability) has been performed for this missense variant. However, the output from this modeling did not meet the statistical confidence thresholds required to predict the impact of this variant on DSG2 protein function. In summary, the available evidence is currently insufficient to determine the role of this variant in disease. Therefore, it has been classified as a Variant of Uncertain Significance.

Victorian Clinical Genetics Services, Murdoch Childrens Research Institute
Classification: Uncertain significance for Arrhythmogenic right ventricular dysplasia 10. Last evaluated: 2024-10-09. Review status: criteria provided, single submitter. Criteria: ACMG Guidelines, 2015. Collection method: clinical testing. Allele origin: germline. Inheritance: Autosomal dominant inheritance.
Comment: Based on the classification scheme VCGS_Germline_v1.3.4, this variant is classified as VUS-3B. Following criteria are met: 0102 - Loss of function is a known mechanism of disease in this gene and is associated with arrhythmogenic right ventricular dysplasia 10 (ARVD; MIM#610193). (I) 0107 - This gene is associated with autosomal dominant disease. It is commonly associated with dominant inheritance for arrhythmogenic right ventricular dysplasia 10 (MIM#610193). (I) 0112 - The ARVD condition associated with this gene has incomplete penetrance (OMIM). (I) 0200 - Variant is predicted to result in a missense amino acid change from glutamic acid to lysine. (I) 0251 - This variant is heterozygous. (I) 0304 - Variant is present in gnomAD (v2) <0.01 (4 heterozygotes, 0 homozygotes). (SP) 0502 - Missense variant with conflicting in silico predictions and uninformative conservation. (I) 0600 - Variant is located in the annotated cadherin domain (DECIPHER). (I) 0705 - No comparable missense variants have previous evidence for pathogenicity. (I) 0809 - Previous evidence of pathogenicity for this variant is inconclusive. This variant has been reported five times in ClinVar as a VUS and reported in the literature as a VUS in individuals with arrhythmogenic right ventricular cardiomyopathy (PMID: 16505173, 29750433, 28471438). (I) 0906 - Segregation evidence for this variant is inconclusive. This variant was identified in two affected siblings both also compound heterozygous for a splice site variant. The two children of one of these siblings both carry the missense variant and no splice site variant, these two individuals are either unaffected or of unknown disease status (PMID: 16505173). (I) 1007 - No published functional evidence has been identified for this variant. (I) 1208 - Inheritance information for this variant is not currently available in this individual. (I) Legend: (SP) - Supporting pathogenic, (I) - Information, (SB) - Supporting benign

All of Us Research Program, National Institutes of Health
Classification: Uncertain significance for Arrhythmogenic right ventricular cardiomyopathy. Last evaluated: 2024-08-06. Review status: criteria provided, single submitter. Criteria: ACMG Guidelines, 2015. Collection method: clinical testing. Allele origin: germline. Inheritance: Autosomal dominant inheritance. Observed: 7 variant alleles, 7 heterozygotes.
Comment: This missense variant replaces glutamic acid with lysine at codon 331 of the DSG2 protein. Computational prediction is inconclusive regarding the impact of this variant on protein structure and function (internally defined REVEL score threshold 0.5 < inconclusive < 0.7, PMID: 27666373). To our knowledge, functional studies have not been reported for this variant. This variant has been reported in three unrelated individuals affected with arrhythmogenic cardiomyopathy (PMID: 16505173, 21606390, 29750433) and in three unaffected relatives from one of the families (PMID: 16505173, 24070718, 26138720). One of the probands was compound heterozygous with a splice variant (PMID 26138720). This variant has been identified in 4/249402 chromosomes in the general population by the Genome Aggregation Database (gnomAD). The available evidence is insufficient to determine the role of this variant in disease conclusively. Therefore, this variant is classified as a Variant of Uncertain Significance.

This study involves interpretation of variants in research participants for the purpose of population health screening. Participant phenotype was not available at the time of variant classification. Additional details can be found in publication PMID: 35346344, PMCID: PMC8962531

Blueprint Genetics
Classification: Uncertain significance. Last evaluated: 2024-08-06. Review status: criteria provided, single submitter. Criteria: ACMG Guidelines, 2015. Collection method: clinical testing. Allele origin: germline.

Color Diagnostics, LLC DBA Color Health
Classification: Uncertain significance for Cardiomyopathy. Last evaluated: 2024-07-10. Review status: criteria provided, single submitter. Criteria: ACMG Guidelines, 2015. Collection method: clinical testing. Allele origin: germline.
Comment: This missense variant replaces glutamic acid with lysine at codon 331 of the DSG2 protein. Computational prediction is inconclusive regarding the impact of this variant on protein structure and function (internally defined REVEL score threshold 0.5 < inconclusive < 0.7, PMID: 27666373). To our knowledge, functional studies have not been reported for this variant. This variant has been reported in three unrelated individuals affected with arrhythmogenic cardiomyopathy (PMID: 16505173, 21606390, 29750433) and in three unaffected relatives from one of the families (PMID: 16505173, 24070718, 26138720). One of the probands was compound heterozygous with a splice variant (PMID 26138720). This variant has been identified in 4/249402 chromosomes in the general population by the Genome Aggregation Database (gnomAD). The available evidence is insufficient to determine the role of this variant in disease conclusively. Therefore, this variant is classified as a Variant of Uncertain Significance.

GeneDx
Classification: Uncertain significance. Last evaluated: 2021-05-14. Review status: criteria provided, single submitter. Criteria: GeneDx Variant Classification Process June 2021. Collection method: clinical testing. Allele origin: germline. Affected: yes.
Comment: Identified in two siblings with arrhythmogenic right ventricular cardiomyopathy (ARVC); however, both individuals also harbor a splice site variant in the DSG2 gene (Pilichou et al., 2006); Reported in ClinVar as a variant of uncertain significance (ClinVar Variant ID# 16816; Landrum et al., 2016); Not observed at a significant frequency in large population cohorts (Lek et al., 2016); In silico analysis supports that this missense variant has a deleterious effect on protein structure/function; This variant is associated with the following publications: (PMID: 31402444, 16505173)

Center for Advanced Laboratory Medicine, UC San Diego Health, University of California San Diego
Classification: Uncertain significance for Cardiomyopathy. Last evaluated: 2017-09-08. Review status: criteria provided, single submitter. Criteria: ACMG Guidelines, 2015. Collection method: clinical testing. Allele origin: germline. Affected: yes. Observed: 1 variant allele.

Women's Health and Genetics/Laboratory Corporation of America, LabCorp
Classification: Uncertain significance for Arrhythmogenic Right Ventricular Cardiomyopathy. Last evaluated: 2015-10-02. Review status: no assertion criteria provided. Collection method: clinical testing. Allele origin: germline. Not counted in ClinVar's aggregate classification.
Comment: The c.991G>A (p.Glu331Lys) missense variant changes evolutionary conserved Glu to Lys, which changes the charge from negative to positive. 3/4 in silico tools predict this variant to be damaging. This variant lies in cadherin 3 domain (source ARVC db) and other missense changes have also been detected in and around this codon such as p.D326V, p.N330D, p.I333T and p.T335A (source: HGMD) in ARVC patients. This suggests that this variant may alter protein functionality. The variant is found in only 3 alleles across 120630 chromosomes in ExAC. Although the allele frequency in general population is lower than the maximal expected allele frequency based on the disease prevalence of ARVC, the possibility of this variant being a rare polymorphism cannot be ruled out. Two studies reported this variant in two ARVD families; however, segregation analysis in one family does not prove the variant as a high penetrance disease-causing variant.

OMIM
Classification: Pathogenic for ARRHYTHMOGENIC RIGHT VENTRICULAR DYSPLASIA, FAMILIAL, 10. Last evaluated: 2006-03-07. Review status: no assertion criteria provided. Collection method: literature only. Allele origin: germline. Not counted in ClinVar's aggregate classification.

Literature cited by the submitters: PubMed 16505173 (cited by 5 submitters); PubMed 24070718 (cited by 3 submitters); PubMed 28471438 (cited by Labcorp Genetics (formerly Invitae), Labcorp and Victorian Clinical Genetics Services, Murdoch Childrens Research Institute); PubMed 30830208 (cited by Labcorp Genetics (formerly Invitae), Labcorp); PubMed 29750433 (cited by 3 submitters); PubMed 21606390 (cited by All of Us Research Program, National Institutes of Health and Color Diagnostics, LLC DBA Color Health); PubMed 26138720 (cited by All of Us Research Program, National Institutes of Health and Color Diagnostics, LLC DBA Color Health).

NM_001943.5(DSG2):c.991G>A (p.Glu331Lys)

Gene: DSG2 (desmoglein 2; plus strand). Cytogenetic location: 18q12.1.
Variant type: single nucleotide variant.
Coding change: c.991G>A on transcript NM_001943.5 (MANE Select); coding-DNA position 991, G replaced by A.
Protein change: p.Glu331Lys; replaces glutamic acid 331 with lysine.
Molecular consequence: missense variant.
Genome position (GRCh38, 1-based): chr18:31,524,865, G>A. VCF-style: chr18-31524865-G-A. GRCh37 (hg19) VCF-style: chr18-29104828-G-A.
Other names: c.991G>A, p.Glu331Lys (LRG_397t1); short protein forms E331K.
Identifiers: ClinVar variation 16816 (VCV000016816.19), dbSNP rs121913012, ClinGen allele CA022374.
Genomic context (GRCh38, chr18:31,524,865, plus strand): 5'-ACATTTGCATCAGGAAATGAAGGAGGTTATTTCCACATAGAAACAGATGCTCAAACTAAC[G>A]AAGGAATTGTGACCCTTATTAAGGTAAGTACTAAGTATTCAAAACTGGCGTGGGCCAAGT-3'
Protein context (NP_001934.2, residues 321-341): FHIETDAQTN[Glu331Lys]GIVTLIKEVD